The following is an entry in ClinVar:

NM_018136.5(ASPM):c.5216T>C (p.Val1739Ala)

Gene: ASPM (assembly factor for spindle microtubules; minus strand). Cytogenetic location: 1q31.3.
Variant type: single nucleotide variant.
Coding change: c.5216T>C on transcript NM_018136.5 (MANE Select); coding-DNA position 5216, T replaced by C.
Protein change: p.Val1739Ala; replaces valine 1739 with alanine.
Molecular consequence: missense variant. On other transcripts: intron variant (1).
Genome position (GRCh38, 1-based): chr1:197,104,035, A>G on the plus strand (T>C on the coding strand, the complement: ASPM is on the minus strand). VCF-style: chr1-197104035-A-G. GRCh37 (hg19) VCF-style: chr1-197073165-A-G.
Other names: c.4066-7871T>C (NM_001206846.2); short protein forms V1739A.
Identifiers: ClinVar variation 3900999 (VCV003900999.1).

ClinVar aggregate classification (germline): Uncertain significance (1 of 4 stars; one submission).

Conditions:
Microcephaly 5, primary, autosomal recessive (MCPH5). Also called: ASPM Primary Microcephaly. Identifiers: Orphanet 2512, MedGen C1837501, MONDO:0012106, OMIM 608716.

gnomAD v4.1: 1 of 1,612,802 alleles (0.000062%); highest among the groups gnomAD compares: Non-Finnish European, 0.000085%; no homozygotes.

Submission:

Laboratorio de Genetica e Diagnostico Molecular, Hospital Israelita Albert Einstein
Classification: Uncertain significance for Microcephaly 5, primary, autosomal recessive. Last evaluated: 2024-07-02. Review status: criteria provided, single submitter. Criteria: ACMG Guidelines, 2015. Collection method: clinical testing. Allele origin: germline. Affected: yes.
Comment: ACMG classification criteria: BP4 supporting